The following is an entry in ClinVar:

NM_001134673.4(NFIA):c.416G>A (p.Gly139Asp)

Gene: NFIA (nuclear factor I A; plus strand). Cytogenetic location: 1p31.3.
Variant type: single nucleotide variant.
Coding change: c.416G>A on transcript NM_001134673.4 (MANE Select); coding-DNA position 416, G replaced by A.
Protein change: p.Gly139Asp; replaces glycine 139 with aspartic acid.
Molecular consequence: missense variant.
Genome position (GRCh38, 1-based): chr1:61,088,537, G>A. VCF-style: chr1-61088537-G-A. GRCh37 (hg19) VCF-style: chr1-61554209-G-A.
Other names: c.392G>A, p.Gly131Asp (NM_001145511.2); c.551G>A, p.Gly184Asp (NM_001145512.2); c.416G>A, p.Gly139Asp (NM_005595.5); short protein forms G131D, G139D, G184D.
Identifiers: ClinVar variation 2580590 (VCV002580590.1), dbSNP rs2524200923, ClinGen allele CA340587003.

ClinVar aggregate classification (germline): Uncertain significance (1 of 4 stars; one submission).

Submission:

GeneDx
Classification: Uncertain significance. Last evaluated: 2023-03-24. Review status: criteria provided, single submitter. Criteria: GeneDx Variant Classification Process June 2021. Collection method: clinical testing. Allele origin: germline. Affected: yes.
Comment: Not observed at significant frequency in large population cohorts (gnomAD); In silico analysis supports that this missense variant has a deleterious effect on protein structure/function; Has not been previously published as pathogenic or benign to our knowledge